The following is an entry in ClinVar:

NM_005529.7(HSPG2):c.7873G>A (p.Val2625Met)

Gene: HSPG2 (heparan sulfate proteoglycan 2; minus strand). Cytogenetic location: 1p36.12.
Variant type: single nucleotide variant.
Coding change: c.7873G>A on transcript NM_005529.7 (MANE Select); coding-DNA position 7873, G replaced by A.
Protein change: p.Val2625Met; replaces valine 2625 with methionine.
Molecular consequence: missense variant.
Genome position (GRCh38, 1-based): chr1:21,847,958, C>T on the plus strand (G>A on the coding strand, the complement: HSPG2 is on the minus strand). VCF-style: chr1-21847958-C-T. GRCh37 (hg19) VCF-style: chr1-22174451-C-T.
Other names: c.7876G>A, p.Val2626Met (NM_001291860.2); short protein forms V2625M, V2626M.
Identifiers: ClinVar variation 1429207 (VCV001429207.5), dbSNP rs777675608, ClinGen allele CA671036.

ClinVar aggregate classification (germline): Uncertain significance (1 of 4 stars; one submission).

Allele frequency attached by ClinVar (database versions not stated): ExAC 0.00001; gnomAD 0.00001; gnomAD exomes 0.00002; TOPMed 0.00002.
gnomAD v4.1: 13 of 1,613,720 alleles (0.00081%); highest among the groups gnomAD compares: Admixed American, 0.005%; no homozygotes.

Submissions (2):

Labcorp Genetics (formerly Invitae), Labcorp
Classification: Uncertain significance. Last evaluated: 2023-08-10. Review status: criteria provided, single submitter. Criteria: Invitae Variant Classification Sherloc (09022015). Collection method: clinical testing. Allele origin: germline.
Comment: In summary, the available evidence is currently insufficient to determine the role of this variant in disease. Therefore, it has been classified as a Variant of Uncertain Significance. Variants that disrupt the consensus splice site are a relatively common cause of aberrant splicing (PMID: 17576681, 9536098). Algorithms developed to predict the effect of sequence changes on RNA splicing suggest that this variant may disrupt the consensus splice site. Algorithms developed to predict the effect of missense changes on protein structure and function output the following: SIFT: "Not Available"; PolyPhen-2: "Benign"; Align-GVGD: "Not Available". The methionine amino acid residue is found in multiple mammalian species, which suggests that this missense change does not adversely affect protein function. ClinVar contains an entry for this variant (Variation ID: 1429207). This variant has not been reported in the literature in individuals affected with HSPG2-related conditions. This variant is present in population databases (rs777675608, gnomAD 0.006%). This sequence change replaces valine, which is neutral and non-polar, with methionine, which is neutral and non-polar, at codon 2625 of the HSPG2 protein (p.Val2625Met). This variant also falls at the last nucleotide of exon 60, which is part of the consensus splice site for this exon.

Dr. Peter K. Rogan Lab, Western University
No classification provided (evidence only). Condition: Uterine corpus endometrial carcinoma. Review status: no classification provided. Collection method: in vitro. Allele origin: not applicable. Functional consequence: retained intron. Not counted in ClinVar's aggregate classification.

Literature cited by the submitters: PubMed 17576681 (cited by Labcorp Genetics (formerly Invitae), Labcorp); PubMed 9536098 (cited by Labcorp Genetics (formerly Invitae), Labcorp).